The following is an entry in ClinVar:

ClinVar aggregate classification (germline): Uncertain significance (1 of 4 stars; one submission).

Conditions:
X-linked Emery-Dreifuss muscular dystrophy. Also called: Muscular dystrophy, tardive Emery-Dreifuss type, with contractures. Identifiers: Orphanet 261, Orphanet 98863, MedGen C0751337, MONDO:0010680.

Submission:

Labcorp Genetics (formerly Invitae), Labcorp
Classification: Uncertain significance for X-linked Emery-Dreifuss muscular dystrophy. Last evaluated: 2024-10-22. Review status: criteria provided, single submitter. Criteria: Invitae Variant Classification Sherloc (09022015). Collection method: clinical testing. Allele origin: germline.
Comment: This sequence change replaces threonine, which is neutral and polar, with asparagine, which is neutral and polar, at codon 188 of the EMD protein (p.Thr188Asn). This variant is not present in population databases (gnomAD no frequency). This variant has not been reported in the literature in individuals affected with EMD-related conditions. Invitae Evidence Modeling of protein sequence and biophysical properties (such as structural, functional, and spatial information, amino acid conservation, physicochemical variation, residue mobility, and thermodynamic stability) indicates that this missense variant is not expected to disrupt EMD protein function with a negative predictive value of 80%. In summary, the available evidence is currently insufficient to determine the role of this variant in disease. Therefore, it has been classified as a Variant of Uncertain Significance.

NM_000117.3(EMD):c.563C>A (p.Thr188Asn)

Gene: EMD (emerin; plus strand). Cytogenetic location: Xq28.
Variant type: single nucleotide variant.
Coding change: c.563C>A on transcript NM_000117.3 (MANE Select); coding-DNA position 563, C replaced by A.
Protein change: p.Thr188Asn; replaces threonine 188 with asparagine.
Molecular consequence: missense variant.
Genome position (GRCh38, 1-based): chrX:154,380,995, C>A. VCF-style: chrX-154380995-C-A. GRCh37 (hg19) VCF-style: chrX-153609355-C-A.
Other names: short protein forms T188N.
Identifiers: ClinVar variation 3655306 (VCV003655306.2).